The following is an entry in ClinVar:

ClinVar aggregate classification (germline): Benign (1 of 4 stars; one submission).

Conditions:
Hypomyelination and Congenital Cataract (HLD5). Also called: hypomyelinating leukodystrophy 5. Identifiers: Orphanet 85163, MedGen C1864663, MONDO:0012514, OMIM 610532.

Allele frequency attached by ClinVar (database versions not stated): gnomAD 0.39068 and 0.39373; TOPMed 0.39630; 1000 Genomes Project 30x 0.42192; 1000 Genomes Project 0.42752.

Submission:

Illumina Laboratory Services, Illumina
Classification: Benign for Hypomyelination and Congenital Cataract. Last evaluated: 2018-01-13. Review status: criteria provided, single submitter. Criteria: ICSL Variant Classification Criteria 13 December 2019. Collection method: clinical testing. Allele origin: germline.
Comment: This variant was observed in the ICSL laboratory as part of a predisposition screen in an ostensibly healthy population. It had not been previously curated by ICSL or reported in the Human Gene Mutation Database (HGMD: prior to June 1st, 2018), and was therefore a candidate for classification through an automated scoring system. Utilizing variant allele frequency, disease prevalence and penetrance estimates, and inheritance mode, an automated score was calculated to assess if this variant is too frequent to cause the disease. Based on the score and internal cut-off values, a variant classified as benign is not then subjected to further curation. The score for this variant resulted in a classification of benign for this disease.

NM_032581.4(HYCC1):c.*3680A>G

Gene: HYCC1 (hyccin PI4KA lipid kinase complex subunit 1; minus strand). Cytogenetic location: 7p15.3.
Variant type: single nucleotide variant.
Coding change: c.*3680A>G on transcript NM_032581.4 (MANE Select); 3680 bases downstream of the stop codon, A replaced by G.
Molecular consequence: 3 prime UTR variant.
Genome position (GRCh38, 1-based): chr7:22,941,909, T>C on the plus strand (A>G on the coding strand, the complement: HYCC1 is on the minus strand). VCF-style: chr7-22941909-T-C. GRCh37 (hg19) VCF-style: chr7-22981528-T-C.
Other names: c.*4282A>G (NM_001363466.2); c.*4240A>G (NM_001363467.2).
Identifiers: ClinVar variation 359721 (VCV000359721.5), dbSNP rs3815348, ClinGen allele CA10628888.